The following is an entry in ClinVar:

NM_001367561.1(DOCK7):c.3782-3T>C

Gene: DOCK7 (dedicator of cytokinesis 7; minus strand). Cytogenetic location: 1p31.3.
Variant type: single nucleotide variant.
Coding change: c.3782-3T>C on transcript NM_001367561.1 (MANE Select); 3 bases into the intron before coding-DNA position 3782, T replaced by C.
Molecular consequence: intron variant.
Genome position (GRCh38, 1-based): chr1:62,528,308, A>G on the plus strand (T>C on the coding strand, the complement: DOCK7 is on the minus strand). VCF-style: chr1-62528308-A-G. GRCh37 (hg19) VCF-style: chr1-62993979-A-G.
Other names: c.3689-3T>C (NM_001272001.2, NM_001272000.2, NM_033407.4); c.3782-3T>C (NM_001271999.2, NM_001330614.2).
Identifiers: ClinVar variation 1495210 (VCV001495210.3), dbSNP rs1645075330, ClinGen allele CA1002433119.
Genomic context (GRCh38, chr1:62,528,308, plus strand): 5'-TCACTTTCATAATCATCAGTGGCTATACAAATTGGTCTTCCTCGTTGATTGTGAGTTTCT[A>G]AAGAAAAATAATCCAAAAAAATAAATAAAACTGTTTAGCTGAACTAATTCCCTTTCCTAT-3'

ClinVar aggregate classification (germline): Uncertain significance (1 of 4 stars; one submission).

Conditions:
Developmental and epileptic encephalopathy, 23 (DEE23). Also called: Epileptic encephalopathy, early infantile, 23. Identifiers: Orphanet 411986, MedGen C4014492, MONDO:0014371, OMIM 615859.

Allele frequency attached by ClinVar (database versions not stated): gnomAD exomes below 0.00001; gnomAD 0.00001; TOPMed 0.00002.
gnomAD v4.1: 3 of 1,606,310 alleles (0.00019%); highest among the groups gnomAD compares: African/African-American, 0.0027%; no homozygotes.

Submission:

Labcorp Genetics (formerly Invitae), Labcorp
Classification: Uncertain significance for Developmental and epileptic encephalopathy, 23. Last evaluated: 2022-08-31. Review status: criteria provided, single submitter. Criteria: Invitae Variant Classification Sherloc (09022015). Collection method: clinical testing. Allele origin: germline.
Comment: This sequence change falls in intron 30 of the DOCK7 gene. It does not directly change the encoded amino acid sequence of the DOCK7 protein. It affects a nucleotide within the consensus splice site. This variant is not present in population databases (gnomAD no frequency). This variant has not been reported in the literature in individuals affected with DOCK7-related conditions. ClinVar contains an entry for this variant (Variation ID: 1495210). Variants that disrupt the consensus splice site are a relatively common cause of aberrant splicing (PMID: 17576681, 9536098). Algorithms developed to predict the effect of sequence changes on RNA splicing suggest that this variant is not likely to affect RNA splicing. In summary, the available evidence is currently insufficient to determine the role of this variant in disease. Therefore, it has been classified as a Variant of Uncertain Significance.

Literature cited by the submitters: PubMed 17576681; PubMed 9536098.